The following is an entry in ClinVar:

ClinVar aggregate classification (germline): Pathogenic/Likely pathogenic. Review status: criteria provided, multiple submitters, no conflicts (2 of 4 stars). 5 submissions from 5 submitters: Pathogenic (3); Likely pathogenic (1). 1 of the submissions does not count toward it. Last evaluated 2026-05-21.

Conditions:
Lymphatic malformation 7 (LMPHM7). Also called: Hydrops fetalis, nonimmune, and/or atrial septal defect, susceptibility to. Identifiers: MedGen C4310629, MONDO:0015009, OMIM 617300.
EPHB4-related disorder. Also called: EPHB4-related disorders; EPHB4-related condition.

Allele frequency attached by ClinVar (database versions not stated): gnomAD exomes below 0.00001.
gnomAD v4.1: 1 of 1,614,108 alleles (0.000062%); highest among the groups gnomAD compares: Non-Finnish European, 0.000085%; no homozygotes.

Submissions (5):

PreventionGenetics, part of Exact Sciences
Classification: Likely pathogenic for EPHB4-related condition. Last evaluated: 2026-05-21. Review status: criteria provided, single submitter. Criteria: ACMG Guidelines, 2015. Collection method: clinical testing. Allele origin: germline.
Comment: The EPHB4 c.2216G>A variant is predicted to result in the amino acid substitution p.Arg739Gln. This variant was reported in multiple members of a family with lymphatic-related hydrops fetalis and lymphatic malformation (Martin-Almedina et al. 2016. PubMed ID: 27400125; Supplementary Information, Martin-Almedina et al. 2021. PubMed ID: 33864021). In vitro studies demonstrate this variant eliminates receptor tyrosine phosphorylation (Martin-Almedina et al. 2016. PubMed ID: 27400125). This variant has not been reported in a large population database (gnomAD), indicating this variant is rare. This variant is interpreted as likely pathogenic.

Blueprint Genetics
Classification: Pathogenic for EPHB4-related disorders. Last evaluated: 2024-10-22. Review status: criteria provided, single submitter. Criteria: ACMG Guidelines, 2015. Collection method: clinical testing. Allele origin: germline. Affected: yes. Observed: 1 variant allele.

3billion
Classification: Pathogenic for Lymphatic malformation 7. Last evaluated: 2024-01-08. Review status: criteria provided, single submitter. Criteria: ACMG Guidelines, 2015. Collection method: clinical testing. Allele origin: germline. Affected: yes.
Comment: The variant is not observed in the gnomAD v2.1.1 dataset. Predicted Consequence/Location: Missense variant Functional studies provide strong evidence of the variant having a damaging effect on the gene or gene product (PMID: 27400125, 27400125). In silico tool predictions suggest damaging effect of the variant on gene or gene product [REVEL: 0.88 (>=0.6, sensitivity 0.68 and specificity 0.92); 3Cnet: 0.79 (>=0.6, sensitivity 0.72 and precision 0.9)]. Same nucleotide change resulting in same amino acid change has been previously reported to be associated with EPHB4 related disorder (ClinVar ID: VCV000374836 /PMID: 27400125). However, the evidence of pathogenicity is insufficient at this time. The variant has been reported to co-segregate with the disease in at least 5 similarly affected relatives/individuals in the same family or similarly affected unrelated families (PMID: 27400125, 33864021). Therefore, this variant is classified as Pathogenic according to the recommendation of ACMG/AMP guideline.

GeneDx
Classification: Pathogenic. Last evaluated: 2023-02-15. Review status: criteria provided, single submitter. Criteria: GeneDx Variant Classification Process June 2021. Collection method: clinical testing. Allele origin: germline. Affected: yes.
Comment: Published functional studies demonstrate R739Q results in a loss of kinase activity for EPHB4-Tyr phosphorylation (Martin-Almedina et al., 2016); Not observed in large population cohorts (gnomAD); In silico analysis supports that this missense variant has a deleterious effect on protein structure/function; This variant is associated with the following publications: (PMID: 33864021, 27400125)

OMIM
Classification: Pathogenic for LYMPHATIC MALFORMATION 7. Last evaluated: 2018-12-19. Review status: no assertion criteria provided. Collection method: literature only. Allele origin: germline. Not counted in ClinVar's aggregate classification.

Literature cited by the submitters: PubMed 27400125 (cited by 3billion and OMIM); PubMed 33864021 (cited by 3billion).

NM_004444.5(EPHB4):c.2216G>A (p.Arg739Gln)

Gene: EPHB4 (EPH receptor B4; minus strand). Cytogenetic location: 7q22.1.
Variant type: single nucleotide variant.
Coding change: c.2216G>A on transcript NM_004444.5 (MANE Select); coding-DNA position 2216, G replaced by A.
Protein change: p.Arg739Gln; replaces arginine 739 with glutamine.
Molecular consequence: missense variant.
Genome position (GRCh38, 1-based): chr7:100,807,483, C>T on the plus strand (G>A on the coding strand, the complement: EPHB4 is on the minus strand). VCF-style: chr7-100807483-C-T. GRCh37 (hg19) VCF-style: chr7-100405105-C-T.
Other names: R739E; short protein forms R739Q.
Identifiers: ClinVar variation 374836 (VCV000374836.5), dbSNP rs1057519263, ClinGen allele CA16043927.